The following is an entry in ClinVar:

NM_005633.4(SOS1):c.749T>C (p.Val250Ala)

Gene: SOS1 (SOS Ras/Rac guanine nucleotide exchange factor 1; minus strand). Cytogenetic location: 2p22.1.
Variant type: single nucleotide variant.
Coding change: c.749T>C on transcript NM_005633.4 (MANE Select); coding-DNA position 749, T replaced by C.
Protein change: p.Val250Ala; replaces valine 250 with alanine.
Molecular consequence: missense variant.
Genome position (GRCh38, 1-based): chr2:39,051,259, A>G on the plus strand (T>C on the coding strand, the complement: SOS1 is on the minus strand). VCF-style: chr2-39051259-A-G. GRCh37 (hg19) VCF-style: chr2-39278400-A-G.
Other names: p.V250A:GTA>GCA; NM_005633.3(SOS1):c.749T>C; c.728T>C, p.Val243Ala (NM_001382394.1); c.749T>C, p.Val250Ala (NM_001382395.1); short protein forms V250A, V243A.
Identifiers: ClinVar variation 40660 (VCV000040660.40), dbSNP rs139290271, ClinGen allele CA136183.

ClinVar aggregate classification (germline): Benign. Review status: reviewed by expert panel (3 of 4 stars). 14 submissions from 14 submitters: Benign (1). 13 of the submissions do not count toward it. Last evaluated 2017-04-03.

Conditions:
SOS1-related disorder. Also called: SOS1-related condition.
Cardiovascular phenotype. Identifiers: MedGen CN230736.
Noonan syndrome and Noonan-related syndrome. Identifiers: Orphanet 98733, MedGen C5681679, MONDO:0020297.
RASopathy. Also called: rasopathies; Noonan spectrum disorder. Identifiers: Orphanet 536391, MedGen C5555857, MONDO:0021060.
Noonan syndrome (NS). Also called: Noonan's syndrome. Identifiers: Orphanet 648, MedGen C0028326, MeSH D009634, MONDO:0018997. Disease mechanism: gain of function.
Noonan syndrome 4 (NS4). Also called: SOS1-Related Noonan Syndrome; NOONAN SYNDROME WITH PIGMENTED VILLONODULAR SYNOVITIS. Identifiers: Orphanet 648, MedGen C1853120, MONDO:0012547, OMIM 610733.

Allele frequency attached by ClinVar (database versions not stated): ExAC 0.00020; 1000 Genomes Project 30x 0.00031; gnomAD 0.00054 and 0.00046; TOPMed 0.00066; gnomAD exomes 0.00016 and 0.00005; 1000 Genomes Project 0.00040; ESP Exome Variant Server 0.00046.
gnomAD v4.1: 143 of 1,611,390 alleles (0.0089%); highest among the groups gnomAD compares: African/African-American, 0.14%; no homozygotes.

Submissions (14):

ClinGen RASopathy Variant Curation Expert Panel
Classification: Benign for Noonan syndrome and Noonan-related syndrome. Last evaluated: 2017-04-03. Review status: reviewed by expert panel. Criteria: ClinGen RASopathy ACMG Specifications v1. Collection method: curation. Allele origin: germline. Inheritance: Autosomal dominant inheritance.
Comment: The filtering allele frequency of the c.749T>C (p.Val250Ala) variant in the SOS1 gene is 0.089% for African chromosomes by the Exome Aggregation Consortium (15/10392 with 95% CI), which is a high enough frequency to be classified as benign based on thresholds defined by the ClinGen RASopathy Expert panel for autosomal dominant RASopathy variants (BA1).

Labcorp Genetics (formerly Invitae), Labcorp
Classification: Likely benign for RASopathy. Last evaluated: 2026-01-14. Review status: criteria provided, single submitter. Criteria: Invitae Variant Classification Sherloc (09022015). Collection method: clinical testing. Allele origin: germline. Not counted in ClinVar's aggregate classification.

Blueprint Genetics
Classification: Likely benign. Last evaluated: 2022-10-30. Review status: criteria provided, single submitter. Criteria: ACMG Guidelines, 2015. Collection method: clinical testing. Allele origin: germline. Not counted in ClinVar's aggregate classification.

GeneDx
Classification: Benign. Last evaluated: 2019-10-25. Review status: criteria provided, single submitter. Criteria: GeneDx Variant Classification Process June 2021. Collection method: clinical testing. Allele origin: germline. Affected: yes. Not counted in ClinVar's aggregate classification.

Ambry Genetics
Classification: Benign for Cardiovascular phenotype. Last evaluated: 2019-03-28. Review status: criteria provided, single submitter. Criteria: Ambry Variant Classification Scheme 2023. Collection method: clinical testing. Allele origin: germline. Not counted in ClinVar's aggregate classification.

Women's Health and Genetics/Laboratory Corporation of America, LabCorp
Classification: Likely benign. Last evaluated: 2018-05-13. Review status: criteria provided, single submitter. Criteria: LabCorp Variant Classification Summary - May 2015. Collection method: clinical testing. Allele origin: germline. Not counted in ClinVar's aggregate classification.
Comment: Variant summary: SOS1 c.749T>C (p.Val250Ala) results in a non-conservative amino acid change located in the Dbl homology (DH) domain of the encoded protein sequence. Four of five in-silico tools predict a benign effect of the variant on protein function. The variant allele was found at a frequency of 0.00017 in 277018 control chromosomes. The observed variant frequency is approximately 6 fold above the estimated maximal expected allele frequency for a pathogenic variant in SOS1 causing Noonan Syndrome and Related Conditions phenotype (3e-05), strongly suggesting that the variant is benign. To our knowledge, no occurrence of c.749T>C in individuals affected with Noonan Syndrome and Related Conditions and no experimental evidence demonstrating its impact on protein function have been reported. Six clinical diagnostic laboratories have submitted clinical-significance assessments for this variant to ClinVar after 2014 with conflicting assessments, including uncertain significance (2x), likely benign (3x), and benign (1x). Based on the evidence outlined above, the variant was classified as likely benign.

ARUP Laboratories, Molecular Genetics and Genomics, ARUP Laboratories
Classification: Uncertain significance. Last evaluated: 2017-12-22. Review status: criteria provided, single submitter. Criteria: ARUP Molecular Germline Variant Investigation Process. Collection method: clinical testing. Allele origin: germline. Not counted in ClinVar's aggregate classification.

Genome Diagnostics Laboratory, The Hospital for Sick Children
Classification: Uncertain significance for Noonan syndrome and Noonan-related syndrome. Last evaluated: 2016-12-12. Review status: criteria provided, single submitter. Criteria: ACMG Guidelines, 2015. Collection method: clinical testing. Allele origin: germline. Not counted in ClinVar's aggregate classification.

Center for Pediatric Genomic Medicine, Children's Mercy Hospital and Clinics
Classification: Likely benign. Last evaluated: 2016-10-11. Review status: criteria provided, single submitter. Criteria: ACMG Guidelines, 2015. Collection method: clinical testing. Allele origin: germline. Not counted in ClinVar's aggregate classification.
ClinVar note: Converted during submission from Likely Benign to Likely benign.

Molecular Diagnostics Lab, Nemours Children's Health, Delaware
Classification: Uncertain significance. Last evaluated: 2015-07-21. Review status: criteria provided, single submitter. Criteria: ACMG Guidelines, 2015. Collection method: clinical testing. Allele origin: unknown. Affected: yes. Observed: 1 variant allele. Not counted in ClinVar's aggregate classification.

Laboratory for Molecular Medicine, Mass General Brigham Personalized Medicine
Classification: Uncertain significance. Last evaluated: 2011-06-01. Review status: criteria provided, single submitter. Criteria: LMM Criteria. Collection method: clinical testing. Allele origin: germline. Inheritance: Autosomal dominant inheritance. Observed: 3 variant alleles. Not counted in ClinVar's aggregate classification.
Comment: Variant classified as Uncertain Significance - Favor Benign. The Val250Ala varia nt has not been previously reported in the literature. This variant has now been identified in 2 /75 (2.7%) of Black probands tested by our laboratory. In addition, Val at posit ion 250 is not conserved across evolutionarily distinct species and computationa l analyses (PolyPhen2, SIFT, AlignGVGD) predict that this variant will not impac t the normal function of the protein. It should be noted that the sensitivity an d specificity of these computational programs has not been determined by our lab oratory. Therefore, the clinical significance of this variant cannot be determin ed conclusively at this time; however, based upon the arguments described above we would lean towards a more likely benign role.

Greenwood Genetic Center Diagnostic Laboratories, Greenwood Genetic Center
Classification: Benign for Noonan syndrome 4. Last evaluated: 2026-11-17. Review status: no assertion criteria provided. Collection method: clinical testing. Allele origin: germline. Not counted in ClinVar's aggregate classification.

PreventionGenetics, part of Exact Sciences
Classification: Likely benign for SOS1-related condition. Last evaluated: 2019-11-20. Review status: no assertion criteria provided. Collection method: clinical testing. Allele origin: germline. Not counted in ClinVar's aggregate classification.
Comment: This variant is classified as likely benign based on ACMG/AMP sequence variant interpretation guidelines (Richards et al. 2015 PMID: 25741868, with internal and published modifications).

Service de Génétique Moléculaire, Hôpital Robert Debré
Classification: Likely benign for Noonan syndrome. Review status: no assertion criteria provided. Collection method: clinical testing. Allele origin: paternal. Affected: no. Not counted in ClinVar's aggregate classification.

Literature cited by the submitters: PubMed 26689913 (cited by Women's Health and Genetics/Laboratory Corporation of America, LabCorp).